The following is an entry in ClinVar:

ClinVar aggregate classification (germline): Uncertain significance. Review status: criteria provided, multiple submitters, no conflicts (2 of 4 stars). 2 submissions from 2 submitters: Uncertain significance (2). Last evaluated 2024-04-20.

Conditions:
PMM2-congenital disorder of glycosylation. Also called: Congenital disorder of glycosylation, type Ia; JAEKEN SYNDROME; PHOSPHOMANNOMUTASE 2 DEFICIENCY; CARBOHYDRATE-DEFICIENT GLYCOPROTEIN SYNDROME, TYPE Ia; CDG Ia; PMM2-CDG. Identifiers: Orphanet 79318, MedGen C0349653, MONDO:0008907, OMIM 212065.

Allele frequency attached by ClinVar (database versions not stated): gnomAD exomes below 0.00001 and 0.00001; ExAC 0.00001; gnomAD 0.00001; TOPMed 0.00001.
gnomAD v4.1: 8 of 1,610,850 alleles (0.0005%); highest among the groups gnomAD compares: Non-Finnish European, 0.00068%; no homozygotes.

Submissions (2):

Fulgent Genetics
Classification: Uncertain significance for PMM2-congenital disorder of glycosylation. Last evaluated: 2024-04-20. Review status: criteria provided, single submitter. Criteria: ACMG Guidelines, 2015. Collection method: clinical testing. Allele origin: germline.

Labcorp Genetics (formerly Invitae), Labcorp
Classification: Uncertain significance for PMM2-congenital disorder of glycosylation. Last evaluated: 2022-06-08. Review status: criteria provided, single submitter. Criteria: Invitae Variant Classification Sherloc (09022015). Collection method: clinical testing. Allele origin: germline.
Comment: This sequence change replaces leucine, which is neutral and non-polar, with valine, which is neutral and non-polar, at codon 112 of the PMM2 protein (p.Leu112Val). This variant is present in population databases (rs757323701, gnomAD 0.004%). This variant has not been reported in the literature in individuals affected with PMM2-related conditions. ClinVar contains an entry for this variant (Variation ID: 1037901). Algorithms developed to predict the effect of missense changes on protein structure and function are either unavailable or do not agree on the potential impact of this missense change (SIFT: "Tolerated"; PolyPhen-2: "Probably Damaging"; Align-GVGD: "Class C0"). In summary, the available evidence is currently insufficient to determine the role of this variant in disease. Therefore, it has been classified as a Variant of Uncertain Significance.

NM_000303.3(PMM2):c.334C>G (p.Leu112Val)

Gene: PMM2 (phosphomannomutase 2; plus strand). Cytogenetic location: 16p13.2.
Variant type: single nucleotide variant.
Coding change: c.334C>G on transcript NM_000303.3 (MANE Select); coding-DNA position 334, C replaced by G.
Protein change: p.Leu112Val; replaces leucine 112 with valine.
Molecular consequence: missense variant.
Genome position (GRCh38, 1-based): chr16:8,806,394, C>G. VCF-style: chr16-8806394-C-G. GRCh37 (hg19) VCF-style: chr16-8900251-C-G.
Other names: short protein forms L112V.
Identifiers: ClinVar variation 1037901 (VCV001037901.7), dbSNP rs757323701, ClinGen allele CA7894003.